The following is an entry in ClinVar:

ClinVar aggregate classification (germline): Benign/Likely benign. Review status: criteria provided, multiple submitters, no conflicts (2 of 4 stars). 3 submissions from 3 submitters: Benign (1); Likely benign (2). Last evaluated 2024-05-08.

Conditions:
Hereditary cancer-predisposing syndrome. Also called: Tumor predisposition; Neoplastic Syndromes, Hereditary; Hereditary Cancer Syndrome; Hereditary neoplastic syndrome. Identifiers: Orphanet 140162, MedGen C0027672, MeSH D009386, MONDO:0015356.
Familial cancer of breast. Also called: BREAST CANCER, FAMILIAL; Hereditary breast cancer; hereditary breast carcinoma. Identifiers: Orphanet 227535, MedGen C0346153, MONDO:0016419, OMIM 114480. Disease mechanism: loss of function.
Ataxia-telangiectasia syndrome (AT). Also called: ATAXIA-TELANGIECTASIA, COMPLEMENTATION GROUP A; ATAXIA-TELANGIECTASIA, FRESNO VARIANT; LOUIS-BAR SYNDROME; Ataxia telangiectasia (A-T); Cerebello-oculocutaneous telangiectasia; Immunodeficiency with ataxia telangiectasia. Identifiers: Orphanet 100, MedGen C0004135, MONDO:0008840, OMIM 208900.

Allele frequency attached by ClinVar (database versions not stated): gnomAD exomes below 0.00001.

Submissions (3):

Myriad Genetics, Inc.
Classification: Benign for Familial cancer of breast. Last evaluated: 2024-05-08. Review status: criteria provided, single submitter. Criteria: Myriad Autosomal Dominant, Autosomal Recessive and X-Linked Classification Criteria (2023). Collection method: clinical testing. Allele origin: unknown.
Comment: This variant is considered benign. This variant is a silent/synonymous amino acid change and it is not expected to impact splicing.

Labcorp Genetics (formerly Invitae), Labcorp
Classification: Likely benign for Ataxia-telangiectasia syndrome. Last evaluated: 2023-05-05. Review status: criteria provided, single submitter. Criteria: Invitae Variant Classification Sherloc (09022015). Collection method: clinical testing. Allele origin: germline.

Color Diagnostics, LLC DBA Color Health
Classification: Likely benign for Hereditary cancer-predisposing syndrome. Last evaluated: 2018-03-23. Review status: criteria provided, single submitter. Criteria: ACMG Guidelines, 2015. Collection method: clinical testing. Allele origin: germline.

NM_000051.4(ATM):c.2295T>C (p.Asn765=)

Gene: ATM (ATM serine/threonine kinase; plus strand). Cytogenetic location: 11q22.3.
Variant type: single nucleotide variant.
Coding change: c.2295T>C on transcript NM_000051.4 (MANE Select); coding-DNA position 2295, T replaced by C.
Protein change: p.Asn765=; no amino-acid change (asparagine 765 retained).
Molecular consequence: synonymous variant.
Genome position (GRCh38, 1-based): chr11:108,257,525, T>C. VCF-style: chr11-108257525-T-C. GRCh37 (hg19) VCF-style: chr11-108128252-T-C.
Other names: c.2295T>C, p.Asn765= (NM_001351834.2).
Identifiers: ClinVar variation 627983 (VCV000627983.6), dbSNP rs1444950103, ClinGen allele CA476672668.
Genomic context (GRCh38, chr11:108,257,525, plus strand): 5'-CTTCTATTCACAATAGTCTCTAATGCAATGTGCAGGAGAAAGTATCACTCTGTTTAAAAA[T>C]AAGACAAATGAGGAATTCAGAATTGGTTCCTTGAGAAATATGATGCAGCTATGTACACGT-3'
Protein context (NP_000042.3, residues 755-775): CAGESITLFK[Asn765=]KTNEEFRIGS